The following is an entry in ClinVar:

ClinVar aggregate classification (germline): Uncertain significance. Review status: criteria provided, multiple submitters, no conflicts (2 of 4 stars). 2 submissions from 2 submitters: Uncertain significance (2). Last evaluated 2021-11-29.

Conditions:
Granulomatous disease, chronic, autosomal recessive, cytochrome b-negative. Also called: CGD DUE TO DEFICIENCY OF THE ALPHA SUBUNIT OF CYTOCHROME b; CGD, AUTOSOMAL RECESSIVE CYTOCHROME b-NEGATIVE; CYBA DEFICIENCY; GRANULOMATOUS DISEASE, CHRONIC, AUTOSOMAL RECESSIVE, 4; Chronic granulomatous disease, autosomal, due to deficiency of CYBA. Identifiers: Orphanet 379, MedGen C1856255, MONDO:0009308, OMIM 233690.

Allele frequency attached by ClinVar (database versions not stated): gnomAD 0.00001; gnomAD exomes 0.00001; TOPMed 0.00001; ExAC 0.00002.

Submissions (2):

Labcorp Genetics (formerly Invitae), Labcorp
Classification: Uncertain significance for Granulomatous disease, chronic, autosomal recessive, cytochrome b-negative. Last evaluated: 2021-11-29. Review status: criteria provided, single submitter. Criteria: Invitae Variant Classification Sherloc (09022015). Collection method: clinical testing. Allele origin: germline.
Comment: This sequence change replaces proline, which is neutral and non-polar, with serine, which is neutral and polar, at codon 55 of the CYBA protein (p.Pro55Ser). This variant is present in population databases (rs755658845, gnomAD 0.009%). This variant has not been reported in the literature in individuals affected with CYBA-related conditions. Algorithms developed to predict the effect of missense changes on protein structure and function are either unavailable or do not agree on the potential impact of this missense change (SIFT: "Deleterious"; PolyPhen-2: "Probably Damaging"; Align-GVGD: "Class C0"). In summary, the available evidence is currently insufficient to determine the role of this variant in disease. Therefore, it has been classified as a Variant of Uncertain Significance.

Fulgent Genetics
Classification: Uncertain significance for Granulomatous disease, chronic, autosomal recessive, cytochrome b-negative. Last evaluated: 2021-08-31. Review status: criteria provided, single submitter. Criteria: ACMG Guidelines, 2015. Collection method: clinical testing. Allele origin: unknown.

NM_000101.4(CYBA):c.163C>T (p.Pro55Ser)

Gene: CYBA (cytochrome b-245 alpha chain; minus strand). Cytogenetic location: 16q24.2.
Variant type: single nucleotide variant.
Coding change: c.163C>T on transcript NM_000101.4 (MANE Select); coding-DNA position 163, C replaced by T.
Protein change: p.Pro55Ser; replaces proline 55 with serine.
Molecular consequence: missense variant.
Genome position (GRCh38, 1-based): chr16:88,647,141, G>A on the plus strand (C>T on the coding strand, the complement: CYBA is on the minus strand). VCF-style: chr16-88647141-G-A. GRCh37 (hg19) VCF-style: chr16-88713549-G-A.
Other names: short protein forms P55S.
Identifiers: ClinVar variation 1438110 (VCV001438110.4), dbSNP rs755658845, ClinGen allele CA8228409.